The following is an entry in ClinVar:

NM_032242.4(PLXNA1):c.119C>A (p.Pro40His)

Gene: PLXNA1 (plexin A1; plus strand). Cytogenetic location: 3q21.3.
Variant type: single nucleotide variant.
Coding change: c.119C>A on transcript NM_032242.4 (MANE Select); coding-DNA position 119, C replaced by A.
Protein change: p.Pro40His; replaces proline 40 with histidine.
Molecular consequence: missense variant.
Genome position (GRCh38, 1-based): chr3:126,988,712, C>A. VCF-style: chr3-126988712-C-A. GRCh37 (hg19) VCF-style: chr3-126707555-C-A.
Other names: c.119C>A (NM_032242.3); short protein forms P40H.
Identifiers: ClinVar variation 2070507 (VCV002070507.3), dbSNP rs528513486, ClinGen allele CA2592911.

ClinVar aggregate classification (germline): Uncertain significance. Review status: criteria provided, multiple submitters, no conflicts (2 of 4 stars). 2 submissions from 2 submitters: Uncertain significance (2). Last evaluated 2026-04-16.

Conditions:
PLXNA1-related disorder. Also called: PLXNA1-related condition.

gnomAD v4.1: 44 of 1,573,454 alleles (0.0028%); highest among the groups gnomAD compares: African/African-American, 0.027%; no homozygotes.

Submissions (2):

PreventionGenetics, part of Exact Sciences
Classification: Uncertain significance for PLXNA1-related condition. Last evaluated: 2026-04-16. Review status: criteria provided, single submitter. Criteria: ACMG Guidelines, 2015. Collection method: clinical testing. Allele origin: germline.
Comment: The PLXNA1 c.119C>A variant is predicted to result in the amino acid substitution p.Pro40His. To our knowledge, this variant has not been reported in the literature. This variant is reported in 0.056% of alleles in individuals of East Asian descent in gnomAD. Although we suspect that this variant may be benign, at this time, the clinical significance of this variant is uncertain due to the absence of conclusive functional and genetic evidence.

Labcorp Genetics (formerly Invitae), Labcorp
Classification: Uncertain significance. Last evaluated: 2022-04-22. Review status: criteria provided, single submitter. Criteria: Invitae Variant Classification Sherloc (09022015). Collection method: clinical testing. Allele origin: germline.
Comment: This sequence change replaces proline, which is neutral and non-polar, with histidine, which is basic and polar, at codon 40 of the PLXNA1 protein (p.Pro40His). This variant is present in population databases (rs528513486, gnomAD 0.05%). This variant has not been reported in the literature in individuals affected with PLXNA1-related conditions. Algorithms developed to predict the effect of missense changes on protein structure and function (SIFT, PolyPhen-2, Align-GVGD) all suggest that this variant is likely to be tolerated. In summary, the available evidence is currently insufficient to determine the role of this variant in disease. Therefore, it has been classified as a Variant of Uncertain Significance.